The following is an entry in ClinVar:

ClinVar aggregate classification (germline): Uncertain significance. Review status: criteria provided, multiple submitters, no conflicts (2 of 4 stars). 2 submissions from 2 submitters: Uncertain significance (2). Last evaluated 2025-12-30.

Conditions:
Autosomal recessive limb-girdle muscular dystrophy type 2A (LGMDR1). Also called: Muscular dystrophy, limb-girdle, type 2A, Amish; LEYDEN-MOEBIUS MUSCULAR DYSTROPHY; MUSCULAR DYSTROPHY, PELVOFEMORAL; Limb-girdle muscular dystrophy, type 2A; Calpainopathy. Identifiers: Orphanet 267, MedGen C1869123, MONDO:0009675, OMIM 253600. Disease mechanism: loss of function.
Inborn genetic diseases. Identifiers: MedGen C0950123, MeSH D030342.

Submissions (2):

Ambry Genetics
Classification: Uncertain significance for Inborn genetic diseases. Last evaluated: 2025-12-30. Review status: criteria provided, single submitter. Criteria: Ambry Variant Classification Scheme 2023. Collection method: clinical testing. Allele origin: germline.

Labcorp Genetics (formerly Invitae), Labcorp
Classification: Uncertain significance for Autosomal recessive limb-girdle muscular dystrophy type 2A. Last evaluated: 2025-11-19. Review status: criteria provided, single submitter. Criteria: Invitae Variant Classification Sherloc (09022015). Collection method: clinical testing. Allele origin: germline.
Comment: This sequence change replaces cysteine, which is neutral and slightly polar, with serine, which is neutral and polar, at codon 68 of the CAPN3 protein (p.Cys68Ser). This variant is not present in population databases (gnomAD no frequency). This variant has not been reported in the literature in individuals affected with CAPN3-related conditions. Invitae Evidence Modeling of protein sequence and biophysical properties (such as structural, functional, and spatial information, amino acid conservation, physicochemical variation, residue mobility, and thermodynamic stability) indicates that this missense variant is not expected to disrupt CAPN3 protein function with a negative predictive value of 80%. In summary, the available evidence is currently insufficient to determine the role of this variant in disease. Therefore, it has been classified as a Variant of Uncertain Significance.

NM_000070.3(CAPN3):c.202T>A (p.Cys68Ser)

Gene: CAPN3 (calpain 3; plus strand). Cytogenetic location: 15q15.1.
Variant type: single nucleotide variant.
Coding change: c.202T>A on transcript NM_000070.3 (MANE Select); coding-DNA position 202, T replaced by A.
Protein change: p.Cys68Ser; replaces cysteine 68 with serine.
Molecular consequence: missense variant.
Genome position (GRCh38, 1-based): chr15:42,360,007, T>A. VCF-style: chr15-42360007-T-A. GRCh37 (hg19) VCF-style: chr15-42652205-T-A.
Other names: c.202T>A (NM_000070.2); c.202T>A, p.Cys68Ser (NM_024344.2, NM_173087.2); short protein forms C68S.
Identifiers: ClinVar variation 4776349 (VCV004776349.2).